The following is an entry in ClinVar:

NM_001350451.2(RBFOX3):c.1051G>A (p.Ala351Thr)

Gene: RBFOX3 (RNA binding fox-1 homolog 3; minus strand). Cytogenetic location: 17q25.3.
Variant type: single nucleotide variant.
Coding change: c.1051G>A on transcript NM_001350451.2 (MANE Select); coding-DNA position 1051, G replaced by A.
Protein change: p.Ala351Thr; replaces alanine 351 with threonine.
Molecular consequence: missense variant.
Genome position (GRCh38, 1-based): chr17:79,094,477, C>T on the plus strand (G>A on the coding strand, the complement: RBFOX3 is on the minus strand). VCF-style: chr17-79094477-C-T. GRCh37 (hg19) VCF-style: chr17-77090559-C-T.
Other names: c.910G>A, p.Ala304Thr (NM_001082575.3, NM_001350453.2, NM_001385825.1 and 16 more transcripts); c.1051G>A, p.Ala351Thr (NM_001385804.1, NM_001385805.1, NM_001385807.1 and 14 more transcripts); c.1048G>A, p.Ala350Thr (NM_001385806.1, NM_001385822.1, NM_001385823.1); c.958G>A, p.Ala320Thr (NM_001385824.1); c.931G>A, p.Ala311Thr (NM_001385827.1); c.907G>A, p.Ala303Thr (NM_001385843.1, NM_001385844.1, NM_001385845.1 and 1 more transcripts); c.763G>A, p.Ala255Thr (NM_001385847.1); short protein forms A351T, A304T, A255T, A303T, A311T, A320T, A350T.
Identifiers: ClinVar variation 655894 (VCV000655894.8), dbSNP rs1003593947, ClinGen allele CA294776440.
Genomic context (GRCh38, chr17:79,094,477, plus strand): 5'-GGCACCCAGGGCTGGGCGGGCCTGGGCTCCTTACCATGGTTCCAATGCTGTAGGTCGCCG[C>T]GGGCCCGATGGTGTGATGGTACGGGTCGGCAGCTGCGTAGACTCTGCCGTAACTAGGGAA-3'
Protein context (NP_001337380.1, residues 341-359): ADPYHHTIGP[Ala351Thr]ATYSIGTM

ClinVar aggregate classification (germline): Uncertain significance (1 of 4 stars; one submission).

Conditions:
Idiopathic generalized epilepsy. Also called: EIG; Generalised epilepsy. Identifiers: MedGen C0270850, MONDO:0005579, OMIM 600669.

Allele frequency attached by ClinVar (database versions not stated): TOPMed below 0.00001; gnomAD 0.00001; gnomAD exomes 0.00001.
gnomAD v4.1: 10 of 1,415,172 alleles (0.00071%); highest among the groups gnomAD compares: Admixed American, 0.014%; no homozygotes.

Submission:

Labcorp Genetics (formerly Invitae), Labcorp
Classification: Uncertain significance for Idiopathic generalized epilepsy. Last evaluated: 2025-12-01. Review status: criteria provided, single submitter. Criteria: Invitae Variant Classification Sherloc (09022015). Collection method: clinical testing. Allele origin: germline.
Comment: This sequence change replaces alanine, which is neutral and non-polar, with threonine, which is neutral and polar, at codon 304 of the RBFOX3 protein (p.Ala304Thr). This variant is present in population databases (no rsID available, gnomAD 0.007%). This variant has not been reported in the literature in individuals affected with RBFOX3-related conditions. ClinVar contains an entry for this variant (Variation ID: 655894). Invitae Evidence Modeling of protein sequence and biophysical properties (such as structural, functional, and spatial information, amino acid conservation, physicochemical variation, residue mobility, and thermodynamic stability) indicates that this missense variant is not expected to disrupt RBFOX3 protein function with a negative predictive value of 80%. In summary, the available evidence is currently insufficient to determine the role of this variant in disease. Therefore, it has been classified as a Variant of Uncertain Significance.